The following is an entry in ClinVar:

ClinVar aggregate classification (germline): Uncertain significance. Review status: criteria provided, multiple submitters, no conflicts (2 of 4 stars). 2 submissions from 2 submitters: Uncertain significance (2). Last evaluated 2025-05-24.

Conditions:
Hereditary cancer-predisposing syndrome. Also called: Hereditary neoplastic syndrome; Neoplastic Syndromes, Hereditary; Tumor predisposition; Hereditary Cancer Syndrome. Identifiers: Orphanet 140162, MedGen C0027672, MeSH D009386, MONDO:0015356.

Allele frequency attached by ClinVar (database versions not stated): gnomAD exomes below 0.00001.
gnomAD v4.1: 2 of 1,613,982 alleles (0.00012%); highest among the groups gnomAD compares: East Asian, 0.0022%; no homozygotes.

Submissions (2):

Ambry Genetics
Classification: Uncertain significance for Hereditary cancer-predisposing syndrome. Last evaluated: 2025-05-24. Review status: criteria provided, single submitter. Criteria: Ambry Variant Classification Scheme 2023. Collection method: clinical testing. Allele origin: germline.
Comment: The p.T262N variant (also known as c.785C>A), located in coding exon 5 of the NTHL1 gene, results from a C to A substitution at nucleotide position 785. The threonine at codon 262 is replaced by asparagine, an amino acid with similar properties. This amino acid position is conserved. In addition, the in silico prediction for this alteration is inconclusive. Based on the available evidence, the clinical significance of this variant remains unclear.

Labcorp Genetics (formerly Invitae), Labcorp
Classification: Uncertain significance. Last evaluated: 2020-07-03. Review status: criteria provided, single submitter. Criteria: Invitae Variant Classification Sherloc (09022015). Collection method: clinical testing. Allele origin: germline.
Comment: In summary, the available evidence is currently insufficient to determine the role of this variant in disease. Therefore, it has been classified as a Variant of Uncertain Significance. Algorithms developed to predict the effect of missense changes on protein structure and function are either unavailable or do not agree on the potential impact of this missense change (SIFT: "Not Available"; PolyPhen-2: "Probably Damaging"; Align-GVGD: "Not Available"). This variant has not been reported in the literature in individuals with NTHL1-related conditions. This variant is not present in population databases (ExAC no frequency). This sequence change replaces threonine with asparagine at codon 262 of the NTHL1 protein (p.Thr262Asn). The threonine residue is highly conserved and there is a small physicochemical difference between threonine and asparagine.

NM_002528.7(NTHL1):c.761C>A (p.Thr254Asn)

Gene: NTHL1 (nth like DNA glycosylase 1; minus strand). Cytogenetic location: 16p13.3.
Variant type: single nucleotide variant.
Coding change: c.761C>A on transcript NM_002528.7 (MANE Select); coding-DNA position 761, C replaced by A.
Protein change: p.Thr254Asn; replaces threonine 254 with asparagine.
Molecular consequence: missense variant.
Genome position (GRCh38, 1-based): chr16:2,040,163, G>T on the plus strand (C>A on the coding strand, the complement: NTHL1 is on the minus strand). VCF-style: chr16-2040163-G-T. GRCh37 (hg19) VCF-style: chr16-2090164-G-T.
Other names: c.785C>A (NM_002528.5); c.590C>A, p.Thr197Asn (NM_001318193.2); c.431C>A, p.Thr144Asn (NM_001318194.2); short protein forms T144N, T197N, T254N.
Identifiers: ClinVar variation 1004104 (VCV001004104.8), dbSNP rs749047684, ClinGen allele CA394288796.